The following is an entry in ClinVar:

NM_000748.3(CHRNB2):c.653A>C (p.Asp218Ala)

Gene: CHRNB2 (cholinergic receptor nicotinic beta 2 subunit; plus strand). Cytogenetic location: 1q21.3.
Variant type: single nucleotide variant.
Coding change: c.653A>C on transcript NM_000748.3 (MANE Select); coding-DNA position 653, A replaced by C.
Protein change: p.Asp218Ala; replaces aspartic acid 218 with alanine.
Molecular consequence: missense variant.
Genome position (GRCh38, 1-based): chr1:154,571,476, A>C. VCF-style: chr1-154571476-A-C. GRCh37 (hg19) VCF-style: chr1-154543952-A-C.
Other names: short protein forms D218A.
Identifiers: ClinVar variation 1392577 (VCV001392577.6), dbSNP rs2101520790, ClinGen allele CA342630551.

ClinVar aggregate classification (germline): Uncertain significance (1 of 4 stars; one submission).

Conditions:
Familial sleep-related hypermotor epilepsy. Also called: Autosomal Dominant Sleep-Related Hypermotor (Hyperkinetic) Epilepsy. Identifiers: Orphanet 98784, MedGen C3696898, MONDO:0000030.

Submission:

Labcorp Genetics (formerly Invitae), Labcorp
Classification: Uncertain significance. Last evaluated: 2021-11-11. Review status: criteria provided, single submitter. Criteria: Invitae Variant Classification Sherloc (09022015). Collection method: clinical testing. Allele origin: germline.
Comment: This sequence change replaces aspartic acid, which is acidic and polar, with alanine, which is neutral and non-polar, at codon 218 of the CHRNB2 protein (p.Asp218Ala). This variant is not present in population databases (gnomAD no frequency). This variant has not been reported in the literature in individuals affected with CHRNB2-related conditions. Advanced modeling of protein sequence and biophysical properties (such as structural, functional, and spatial information, amino acid conservation, physicochemical variation, residue mobility, and thermodynamic stability) performed at Invitae indicates that this missense variant is not expected to disrupt CHRNB2 protein function. In summary, the available evidence is currently insufficient to determine the role of this variant in disease. Therefore, it has been classified as a Variant of Uncertain Significance.